The following is an entry in ClinVar:

ClinVar aggregate classification (germline): Uncertain significance (1 of 4 stars; one submission).

Conditions:
Hereditary cancer-predisposing syndrome. Also called: Neoplastic Syndromes, Hereditary; Hereditary neoplastic syndrome; Tumor predisposition; Hereditary Cancer Syndrome. Identifiers: Orphanet 140162, MedGen C0027672, MeSH D009386, MONDO:0015356.

Submission:

Ambry Genetics
Classification: Uncertain significance for Hereditary cancer-predisposing syndrome. Last evaluated: 2023-01-18. Review status: criteria provided, single submitter. Criteria: Ambry Variant Classification Scheme 2023. Collection method: clinical testing. Allele origin: germline.
Comment: The p.K704N variant (also known as c.2112G>C), located in coding exon 14 of the KIT gene, results from a G to C substitution at nucleotide position 2112. The lysine at codon 704 is replaced by asparagine, an amino acid with similar properties. This amino acid position is conserved. In addition, this alteration is predicted to be tolerated by in silico analysis. Since supporting evidence is limited at this time, the clinical significance of this alteration remains unclear.

NM_000222.3(KIT):c.2112G>C (p.Lys704Asn)

Gene: KIT (KIT proto-oncogene, receptor tyrosine kinase; plus strand). Cytogenetic location: 4q12.
Variant type: single nucleotide variant.
Coding change: c.2112G>C on transcript NM_000222.3 (MANE Select); coding-DNA position 2112, G replaced by C.
Protein change: p.Lys704Asn; replaces lysine 704 with asparagine.
Molecular consequence: missense variant.
Genome position (GRCh38, 1-based): chr4:54,729,456, G>C. VCF-style: chr4-54729456-G-C. GRCh37 (hg19) VCF-style: chr4-55595622-G-C.
Other names: c.2100G>C, p.Lys700Asn (NM_001093772.2, NM_001385286.1); c.2115G>C, p.Lys705Asn (NM_001385284.1, NM_001385290.1); c.2112G>C, p.Lys704Asn (NM_001385285.1); c.2103G>C, p.Lys701Asn (NM_001385288.1, NM_001385292.1); short protein forms K700N, K705N, K704N, K701N.
Identifiers: ClinVar variation 2454110 (VCV002454110.2), dbSNP rs2109786902, ClinGen allele CA356909796.